The following is an entry in ClinVar:

NM_000214.3(JAG1):c.3007del (p.Glu1003fs)

Gene: JAG1 (jagged canonical Notch ligand 1; minus strand). Cytogenetic location: 20p12.2.
Variant type: Deletion.
Coding change: c.3007del on transcript NM_000214.3 (MANE Select); coding-DNA position 3007, one base deleted (G; older notation c.3007delG).
Protein change: p.Glu1003fs; shifts the reading frame from glutamic acid 1003.
Molecular consequence: frameshift variant.
Genome position (GRCh38, 1-based): chr20:10,641,154, C deleted on the plus strand (G on the coding strand, the reverse complement: JAG1 is on the minus strand). VCF-style (leftmost placement, unchanged base first): chr20-10641153-TC-T. GRCh37 (hg19) VCF-style: chr20-10621801-TC-T.
Other names: short protein forms E1003fs.
Identifiers: ClinVar variation 4072432 (VCV004072432.1).

ClinVar aggregate classification (germline): Pathogenic (1 of 4 stars; one submission).

Submission:

GeneDx
Classification: Pathogenic. Last evaluated: 2025-02-04. Review status: criteria provided, single submitter. Criteria: GeneDx Variant Classification Process June 2021. Collection method: clinical testing. Allele origin: germline. Affected: yes.
Comment: Frameshift variant predicted to result in protein truncation or nonsense mediated decay in a gene for which loss of function is a known mechanism of disease; Not observed at significant frequency in large population cohorts (gnomAD); Has not been previously published as pathogenic or benign to our knowledge